The following is an entry in ClinVar:

ClinVar aggregate classification (germline): Pathogenic (1 of 4 stars; one submission).

Conditions:
Renal carnitine transport defect (CDSP). Also called: Primary carnitine deficiency; Carnitine transporter deficiency; Carnitine Deficiency, Systemic; Systemic primary carnitine deficiency disease; Systemic primary carnitine deficiency; CARNITINE DEFICIENCY, SYSTEMIC, DUE TO DEFECT IN RENAL REABSORPTION OF CARNITINE. Identifiers: Orphanet 158, MedGen C0342788, MONDO:0008919, OMIM 212140.

Submission:

Labcorp Genetics (formerly Invitae), Labcorp
Classification: Pathogenic for Renal carnitine transport defect. Last evaluated: 2022-01-05. Review status: criteria provided, single submitter. Criteria: Invitae Variant Classification Sherloc (09022015). Collection method: clinical testing. Allele origin: germline.
Comment: For these reasons, this variant has been classified as Pathogenic. Variants that disrupt the consensus splice site are a relatively common cause of aberrant splicing (PMID: 17576681, 9536098). Algorithms developed to predict the effect of sequence changes on RNA splicing suggest that this variant may disrupt the consensus splice site. Disruption of this splice site has been observed in individual(s) with primary carnitine deficiency (PMID: 17486650). In at least one individual the data is consistent with being in trans (on the opposite chromosome) from a pathogenic variant. This variant is not present in population databases (gnomAD no frequency). This sequence change affects a donor splice site in intron 9 of the SLC22A5 gene. While this variant is not anticipated to result in nonsense mediated decay, it likely alters RNA splicing and results in a disrupted protein product.

Literature cited by the submitters: PubMed 17576681; PubMed 9536098; PubMed 17486650.

NM_003060.4(SLC22A5):c.1586+2T>G

Gene: SLC22A5 (solute carrier family 22 member 5; plus strand). Cytogenetic location: 5q31.1.
Variant type: single nucleotide variant.
Coding change: c.1586+2T>G on transcript NM_003060.4 (MANE Select); the canonical splice donor site of the intron after coding-DNA position 1586, T replaced by G.
Molecular consequence: splice donor variant.
Genome position (GRCh38, 1-based): chr5:132,393,813, T>G. VCF-style: chr5-132393813-T-G. GRCh37 (hg19) VCF-style: chr5-131729505-T-G.
Other names: c.1658+2T>G (NM_001308122.2).
Identifiers: ClinVar variation 2075336 (VCV002075336.4), dbSNP rs2532141714, ClinGen allele CA360810088.